The following is an entry in ClinVar:

ClinVar aggregate classification (germline): Likely pathogenic. Review status: criteria provided, single submitter (1 of 4 stars). 3 submissions from 3 submitters: Likely pathogenic (1). 2 of the submissions do not count toward it. Last evaluated 2010-05-13.
ClinVar aggregate classification (somatic clinical impact): Tier I - Strong (1 of 4 stars; one submission).

Conditions:
Non-small cell lung carcinoma (NSCLC). Also called: Non-small cell lung cancer. Identifiers: MedGen C0007131, MeSH D002289, MONDO:0005233, HP:0030358. Disease mechanism: Other.
Prostate cancer, hereditary, 1 (HPC1). Identifiers: Orphanet 1331, MedGen C4722327, MONDO:0011098, OMIM 601518.
Lung adenocarcinoma. Also called: Adenocarcinoma of lung; Adenocarcinoma of lung, somatic. Identifiers: MedGen C0152013, MeSH D000077192, MONDO:0005061, HP:0030078.
Pilocytic astrocytoma. Also called: Pilocytic astrocytoma, somatic. Identifiers: Orphanet 251612, MedGen C0334583, MONDO:0016691, HP:0033680.

Submissions (4):

Institute for Genomic Medicine (IGM) Clinical Laboratory, Nationwide Children's Hospital
Classification: Tier I - Strong for Pilocytic astrocytoma. Assertion type: diagnostic. Clinical significance: supports diagnosis. Last evaluated: 2024-10-04. Review status: criteria provided, single submitter. Criteria: AMP/ASCO/CAP Guidelines, 2017. Collection method: clinical testing. Allele origin: somatic. Affected: yes.
Comment: Variant has Tier I (strong) clinical significance as a diagnostic inclusion criterion in pilocytic astrocytoma, based on the following evidence: 1) Documented in one or more cancer databases (e.g., St. Jude Pecan, COSMIC, CIViC, OncoKB). 2) Appears in one or more well-established professional guidelines (e.g., World Health Organization [WHO]; National Comprehensive Cancer Network [NCCN]) as providing diagnostic, prognostic, or therapeutic information. 3) Information in the literature supports potential biologic effect of variant (PMID: 28783719). 4) Diagnostic for a specific tumor type/classification according to professional guidelines (Evidence Level A; PMIDs: 23583981, 25785246, 28912153, 32289278).

Laboratory for Molecular Medicine, Mass General Brigham Personalized Medicine
Classification: Likely pathogenic for Non-small cell lung carcinoma. Last evaluated: 2010-05-13. Review status: criteria provided, single submitter. Criteria: LMM Criteria. Collection method: clinical testing. Allele origin: somatic. Observed: 1 variant allele.

Laboratory of Virology, Oncology, Biosciences and Environment, Faculty of Sciences and Techniques, Mohammedia- University Hassan II of Casablanca
Classification: Uncertain significance for Prostate cancer, hereditary, 1. Last evaluated: 2022-07-29. Review status: no assertion criteria provided. Collection method: clinical testing. Allele origin: germline. Affected: yes. Not counted in ClinVar's aggregate classification.

Key Laboratory of Carcinogenesis and Cancer Invasion, Central South University
Classification: Likely pathogenic for Adenocarcinoma of lung. Review status: no assertion criteria provided. Collection method: clinical testing. Allele origin: somatic. Affected: yes. Not counted in ClinVar's aggregate classification.

Literature cited by the submitters: PubMed 28783719 (cited by Institute for Genomic Medicine (IGM) Clinical Laboratory, Nationwide Children's Hospital); PubMed 23583981 (cited by Institute for Genomic Medicine (IGM) Clinical Laboratory, Nationwide Children's Hospital); PubMed 25785246 (cited by Institute for Genomic Medicine (IGM) Clinical Laboratory, Nationwide Children's Hospital); PubMed 28912153 (cited by Institute for Genomic Medicine (IGM) Clinical Laboratory, Nationwide Children's Hospital); PubMed 32289278 (cited by Institute for Genomic Medicine (IGM) Clinical Laboratory, Nationwide Children's Hospital); PubMed 12068308 (cited by Laboratory for Molecular Medicine, Mass General Brigham Personalized Medicine); PubMed 19383316 (cited by Laboratory for Molecular Medicine, Mass General Brigham Personalized Medicine); PubMed 17119447 (cited by Laboratory for Molecular Medicine, Mass General Brigham Personalized Medicine); PubMed 17096326 (cited by Laboratory for Molecular Medicine, Mass General Brigham Personalized Medicine); PubMed 19913317 (cited by Laboratory for Molecular Medicine, Mass General Brigham Personalized Medicine); PubMed 18368129 (cited by Laboratory for Molecular Medicine, Mass General Brigham Personalized Medicine); PubMed 17311103 (cited by Laboratory for Molecular Medicine, Mass General Brigham Personalized Medicine).

NM_004333.6(BRAF):c.1780G>A (p.Asp594Asn)

Gene: BRAF (B-Raf proto-oncogene, serine/threonine kinase; minus strand). Cytogenetic location: 7q34.
Variant type: single nucleotide variant.
Coding change: c.1780G>A on transcript NM_004333.6 (MANE Select); coding-DNA position 1780, G replaced by A.
Protein change: p.Asp594Asn; replaces aspartic acid 594 with asparagine.
Molecular consequence: missense variant.
Genome position (GRCh38, 1-based): chr7:140,753,355, C>T on the plus strand (G>A on the coding strand, the complement: BRAF is on the minus strand). VCF-style: chr7-140753355-C-T. GRCh37 (hg19) VCF-style: chr7-140453155-C-T.
Other names: c.1780G>A, p.Asp594Asn (NM_001354609.2, NM_001378468.1, NM_001378474.1); c.1900G>A, p.Asp634Asn (NM_001374244.1, NM_001374258.1); c.1789G>A, p.Asp597Asn (NM_001378467.1); c.1714G>A, p.Asp572Asn (NM_001378469.1); c.1678G>A, p.Asp560Asn (NM_001378470.1); c.1669G>A, p.Asp557Asn (NM_001378471.1); c.1624G>A, p.Asp542Asn (NM_001378472.1, NM_001378473.1); c.1516G>A, p.Asp506Asn (NM_001378475.1); short protein forms D594N, D506N, D542N, D597N, D634N, D560N, D557N, D572N.
Identifiers: ClinVar variation 44813 (VCV000044813.12), dbSNP rs397516896, ClinGen allele CA135095.